The following is an entry in ClinVar:

ClinVar aggregate classification (germline): Uncertain significance (1 of 4 stars; one submission).

Conditions:
Hereditary pheochromocytoma and paraganglioma. Also called: Hereditary paragangliomas and pheochromocytomas; Hereditary Paraganglioma-Pheochromocytoma Syndromes; Hereditary pheochromocytoma-paraganglioma. Identifiers: Orphanet 29072, MedGen C4274332, MONDO:0017366.

Allele frequency attached by ClinVar (database versions not stated): gnomAD exomes below 0.00001; ExAC 0.00001.
gnomAD v4.1: 3 of 1,610,162 alleles (0.00019%); highest among the groups gnomAD compares: South Asian, 0.0022%; no homozygotes.

Submission:

Labcorp Genetics (formerly Invitae), Labcorp
Classification: Uncertain significance for Hereditary pheochromocytoma and paraganglioma. Last evaluated: 2024-04-11. Review status: criteria provided, single submitter. Criteria: Invitae Variant Classification Sherloc (09022015). Collection method: clinical testing. Allele origin: germline.
Comment: This sequence change replaces glutamic acid, which is acidic and polar, with lysine, which is basic and polar, at codon 65 of the TMEM127 protein (p.Glu65Lys). This variant is present in population databases (rs763084272, gnomAD 0.003%). This variant has not been reported in the literature in individuals affected with TMEM127-related conditions. An algorithm developed to predict the effect of missense changes on protein structure and function (PolyPhen-2) suggests that this variant is likely to be tolerated. In summary, the available evidence is currently insufficient to determine the role of this variant in disease. Therefore, it has been classified as a Variant of Uncertain Significance.

NM_017849.4(TMEM127):c.193G>A (p.Glu65Lys)

Gene: TMEM127 (transmembrane protein 127; minus strand). Cytogenetic location: 2q11.2.
Variant type: single nucleotide variant.
Coding change: c.193G>A on transcript NM_017849.4 (MANE Select); coding-DNA position 193, G replaced by A.
Protein change: p.Glu65Lys; replaces glutamic acid 65 with lysine.
Molecular consequence: missense variant. On other transcripts: intron variant (1).
Genome position (GRCh38, 1-based): chr2:96,265,189, C>T on the plus strand (G>A on the coding strand, the complement: TMEM127 is on the minus strand). VCF-style: chr2-96265189-C-T. GRCh37 (hg19) VCF-style: chr2-96930927-C-T.
Other names: c.193G>A, p.Glu65Lys (NM_001193304.3); c.-9+680G>A (NM_001407283.1); short protein forms E65K.
Identifiers: ClinVar variation 2841465 (VCV002841465.3), dbSNP rs763084272, ClinGen allele CA1777385.